The following is an entry in ClinVar:

ClinVar aggregate classification (germline): Uncertain significance (1 of 4 stars; one submission).

Conditions:
Haddad syndrome (OHD). Also called: Ondine-Hirschsprung disease. Identifiers: Orphanet 99803, MedGen C1859049, MONDO:0020493.

Submission:

Labcorp Genetics (formerly Invitae), Labcorp
Classification: Uncertain significance for Haddad syndrome. Last evaluated: 2020-02-17. Review status: criteria provided, single submitter. Criteria: Invitae Variant Classification Sherloc (09022015). Collection method: clinical testing. Allele origin: germline.
Comment: This variant, c.496_501dup, results in the insertion of 2 amino acid(s) to the PHOX2B protein (p.Ala166_Ala167dup), but otherwise preserves the integrity of the reading frame. This variant is not present in population databases (ExAC no frequency). This variant has not been reported in the literature in individuals with PHOX2B-related conditions. Experimental studies and prediction algorithms are not available or were not evaluated, and the functional significance of this variant is currently unknown. In summary, the available evidence is currently insufficient to determine the role of this variant in disease. Therefore, it has been classified as a Variant of Uncertain Significance.

NM_003924.4(PHOX2B):c.490GCGGCC[3] (p.Ala166_Ala167dup)

Gene: PHOX2B (paired like homeobox 2B; minus strand). Cytogenetic location: 4p13.
Variant type: Microsatellite.
Coding change: c.490GCGGCC[3] on transcript NM_003924.4 (MANE Select); three copies in a row of the 6-base unit GCGGCC starting at c.490; the reference has two copies in a row; one copy, 6 bases duplicated.
Protein change: p.Ala166_Ala167dup.
Molecular consequence: inframe insertion.
Genome position (GRCh38, 1-based): chr4:41,746,251-41,746,256, GGCCGC duplicated on the plus strand (GCGGCC on the coding strand, the reverse complement: PHOX2B is on the minus strand); duplicating any 6 consecutive bases within chr4:41,746,251-41,746,262 gives the same sequence; the position shown is the placement nearest the transcript's 3' end. VCF-style (leftmost placement, unchanged base first): chr4-41746250-T-TGGCCGC. GRCh37 (hg19) VCF-style: chr4-41748267-T-TGGCCGC.
Identifiers: ClinVar variation 1019594 (VCV001019594.9), dbSNP rs1733896798, ClinGen allele CA2497074311.